The following is an entry in ClinVar:

ClinVar aggregate classification (germline): Pathogenic (1 of 4 stars; one submission).

Submission:

CeGaT Center for Human Genetics Tuebingen
Classification: Pathogenic. Last evaluated: 2025-05-01. Review status: criteria provided, single submitter. Criteria: CeGaT Center For Human Genetics Tuebingen Variant Classification Criteria Version 2. Collection method: clinical testing. Allele origin: germline. Affected: yes. Observed: 1 variant allele.
Comment: TCF4: PVS1, PM2

NM_001083962.2(TCF4):c.854del (p.Arg285fs)

Genes: TCF4 (transcription factor 4; minus strand), LOC126862757 (CDK7 strongly-dependent group 2 enhancer GRCh37_chr18:52936433-52937632; plus strand). Cytogenetic location: 18q21.2.
Variant type: Deletion.
Coding change: c.854del on transcript NM_001083962.2 (MANE Select); coding-DNA position 854, one base deleted (G; older notation c.854delG).
Protein change: p.Arg285fs; shifts the reading frame from arginine 285.
Molecular consequence: frameshift variant.
Genome position (GRCh38, 1-based): chr18:55,269,899, C deleted on the plus strand (G on the coding strand, the reverse complement: TCF4 is on the minus strand). VCF-style (leftmost placement, unchanged base first): chr18-55269898-AC-A. GRCh37 (hg19) VCF-style: chr18-52937129-AC-A.
Other names: c.1160del, p.Arg387fs (NM_001243226.3); c.782del, p.Arg261fs (NM_001243227.2, NM_001306207.1, NM_001348217.1 and 9 more transcripts); c.872del, p.Arg291fs (NM_001243228.2); c.848del, p.Arg283fs (NM_001243230.2); c.728del, p.Arg243fs (NM_001243231.2, NM_001348211.2); c.641del, p.Arg214fs (NM_001243232.1, NM_001306208.1); c.464del, p.Arg155fs (NM_001243233.2, NM_001330605.3, NM_001348212.2 and 1 more transcripts); c.374del, p.Arg125fs (NM_001243234.2, NM_001243235.2, NM_001243236.2 and 2 more transcripts); and 4 more; short protein forms R125fs, R155fs, R214fs, R243fs, R260fs, R261fs, R283fs, R284fs.
Identifiers: ClinVar variation 3905788 (VCV003905788.10).